The following is an entry in ClinVar:

ClinVar aggregate classification (germline): Uncertain significance (1 of 4 stars; one submission).

Conditions:
Fetal akinesia deformation sequence 1 (FADS1). Also called: Pena-Shokeir syndrome type I; Fetal akinesia sequence. Identifiers: Orphanet 994, MedGen C1276035, MONDO:0100101, OMIM 208150, HP:0001989.
Congenital myasthenic syndrome 10. Also called: Myasthenia, limb-girdle, familial. Identifiers: Orphanet 590, MedGen C1850792, MONDO:0009690, OMIM 254300.

Submission:

Labcorp Genetics (formerly Invitae), Labcorp
Classification: Uncertain significance for Congenital myasthenic syndrome 10; Fetal akinesia deformation sequence 1. Last evaluated: 2018-11-16. Review status: criteria provided, single submitter. Criteria: Invitae Variant Classification Sherloc (09022015). Collection method: clinical testing. Allele origin: germline.
Comment: In summary, the available evidence is currently insufficient to determine the role of this variant in disease. Therefore, it has been classified as a Variant of Uncertain Significance. Experimental studies and prediction algorithms are not available for this variant, and the functional significance of the affected amino acid(s) is currently unknown. This variant has not been reported in the literature in individuals with DOK7-related disease. This variant is not present in population databases (ExAC no frequency). This variant, c.138_149del, results in the deletion of 5 amino acids and the insertion of 1 amino acid of the DOK7 protein (p.Glu46_Gly50delinsAsp), but otherwise preserves the integrity of the reading frame.

NM_173660.5(DOK7):c.138_149del (p.Glu46_Gly50delinsAsp)

Gene: DOK7 (docking protein 7; plus strand). Cytogenetic location: 4p16.3.
Variant type: Deletion.
Coding change: c.138_149del on transcript NM_173660.5 (MANE Select); coding-DNA positions 138 to 149, 12 bases deleted (GCGTATCAAGGG).
Protein change: p.Glu46_Gly50delinsAsp.
Molecular consequence: inframe indel. On other transcripts: intron variant (1).
Genome position (GRCh38, 1-based): chr4:3,473,443-3,473,454, GCGTATCAAGGG deleted. VCF-style (leftmost placement, unchanged base first): chr4-3473442-AGCGTATCAAGGG-A. GRCh37 (hg19) VCF-style: chr4-3475169-AGCGTATCAAGGG-A.
Other names: c.138_149del, p.Glu46_Gly50delinsAsp (NM_001164673.2, NM_001301071.2); c.100+9892_100+9903del (NM_001363811.2).
Identifiers: ClinVar variation 665801 (VCV000665801.7), dbSNP rs1577148448, ClinGen allele CA915944112.